The following is an entry in ClinVar:

NM_000173.7(GP1BA):c.712G>A (p.Asp238Asn)

Gene: GP1BA (glycoprotein Ib platelet subunit alpha; plus strand). Cytogenetic location: 17p13.2.
Variant type: single nucleotide variant.
Coding change: c.712G>A on transcript NM_000173.7 (MANE Select); coding-DNA position 712, G replaced by A.
Protein change: p.Asp238Asn; replaces aspartic acid 238 with asparagine.
Molecular consequence: missense variant.
Genome position (GRCh38, 1-based): chr17:4,933,316, G>A. VCF-style: chr17-4933316-G-A. GRCh37 (hg19) VCF-style: chr17-4836611-G-A.
Other names: short protein forms D238N.
Identifiers: ClinVar variation 2515117 (VCV002515117.3), dbSNP rs534164809, ClinGen allele CA8314821.

ClinVar aggregate classification (germline): Uncertain significance. Review status: criteria provided, multiple submitters, no conflicts (2 of 4 stars). 2 submissions from 2 submitters: Uncertain significance (2). Last evaluated 2024-12-19.

Conditions:
Inborn genetic diseases. Identifiers: MedGen C0950123, MeSH D030342.

Allele frequency attached by ClinVar (database versions not stated): gnomAD 0.00001; TOPMed 0.00006; ExAC 0.00011; 1000 Genomes Project 0.00020; 1000 Genomes Project 30x 0.00031.

Submissions (2):

Women's Health and Genetics/Laboratory Corporation of America, LabCorp
Classification: Uncertain significance. Last evaluated: 2024-12-19. Review status: criteria provided, single submitter. Criteria: LabCorp Variant Classification Summary - May 2015. Collection method: clinical testing. Allele origin: germline.
Comment: Variant summary: GP1BA c.712G>A (p.Asp238Asn) results in a conservative amino acid change located in the Leucine rich repeat C-terminal domain (IPR000483) of the encoded protein sequence. Five of five in-silico tools predict a benign effect of the variant on protein function. The variant allele was found at a frequency of 0.00011 in 249272 control chromosomes, predominantly at a frequency of 0.00078 within the Latino subpopulation in the gnomAD database. This frequency is not significantly higher than estimated for a pathogenic variant in GP1BA causing Bernard-Soulier Syndrome, Type A2, Autosomal Dominant, allowing no conclusion about variant significance. To our knowledge, no occurrence of c.712G>A in individuals affected with Bernard-Soulier Syndrome, Type A2, Autosomal Dominant has been reported. At least one publication reports experimental evidence that this variant decreases binding to VWF, however, does not allow convincing conclusions about the variant effect (Peng_2004). The following publication have been ascertained in the context of this evaluation (PMID: 15319289). This variant is also known as D222N. ClinVar contains an entry for this variant (Variation ID: 2515117). Based on the evidence outlined above, the variant was classified as uncertain significance.

Ambry Genetics
Classification: Uncertain significance for Inborn genetic diseases. Last evaluated: 2023-04-06. Review status: criteria provided, single submitter. Criteria: Ambry Variant Classification Scheme 2023. Collection method: clinical testing. Allele origin: germline.

Literature cited by the submitters: PubMed 15319289 (cited by Women's Health and Genetics/Laboratory Corporation of America, LabCorp).